The following is an entry in ClinVar:

NM_182760.4(SUMF1):c.5C>G (p.Ala2Gly)

Gene: SUMF1 (sulfatase modifying factor 1; minus strand). Cytogenetic location: 3p26.1.
Variant type: single nucleotide variant.
Coding change: c.5C>G on transcript NM_182760.4 (MANE Select); coding-DNA position 5, C replaced by G.
Protein change: p.Ala2Gly; replaces alanine 2 with glycine.
Molecular consequence: missense variant.
Genome position (GRCh38, 1-based): chr3:4,467,241, G>C on the plus strand (C>G on the coding strand, the complement: SUMF1 is on the minus strand). VCF-style: chr3-4467241-G-C. GRCh37 (hg19) VCF-style: chr3-4508925-G-C.
Other names: c.5C>G, p.Ala2Gly (NM_001164674.2, NM_001164675.2); short protein forms A2G.
Identifiers: ClinVar variation 3355639 (VCV003355639.1).

ClinVar aggregate classification (germline): Uncertain significance (0 of 4 stars; one submission).

Conditions:
SUMF1-related disorder. Also called: SUMF1-related condition.

gnomAD v4.1: 1 of 1,608,510 alleles (0.000062%); highest among the groups gnomAD compares: Middle Eastern, 0.017%; no homozygotes.

Submission:

PreventionGenetics, part of Exact Sciences
Classification: Uncertain significance for SUMF1-related condition. Last evaluated: 2024-03-25. Review status: no assertion criteria provided. Collection method: clinical testing. Allele origin: germline.
Comment: The SUMF1 c.5C>G variant is predicted to result in the amino acid substitution p.Ala2Gly. To our knowledge, this variant has not been reported in the literature or in a large population database, indicating this variant is rare. At this time, the clinical significance of this variant is uncertain due to the absence of conclusive functional and genetic evidence.